The following is an entry in ClinVar:

ClinVar aggregate classification (germline): Uncertain significance (1 of 4 stars; one submission).

Conditions:
3-Methylglutaconic aciduria type 2 (BTHS). Also called: CARDIOSKELETAL MYOPATHY WITH NEUTROPENIA AND ABNORMAL MITOCHONDRIA; Barth syndrome. Identifiers: Orphanet 111, MedGen C0574083, MONDO:0010543, OMIM 302060.

Submission:

Labcorp Genetics (formerly Invitae), Labcorp
Classification: Uncertain significance for 3-Methylglutaconic aciduria type 2. Last evaluated: 2025-02-13. Review status: criteria provided, single submitter. Criteria: Invitae Variant Classification Sherloc (09022015). Collection method: clinical testing. Allele origin: germline.
Comment: This sequence change replaces threonine, which is neutral and polar, with isoleucine, which is neutral and non-polar, at codon 96 of the TAZ protein (p.Thr96Ile). This variant is not present in population databases (gnomAD no frequency). This variant has not been reported in the literature in individuals affected with TAZ-related conditions. An algorithm developed to predict the effect of missense changes on protein structure and function (PolyPhen-2) suggests that this variant is likely to be disruptive. In summary, the available evidence is currently insufficient to determine the role of this variant in disease. Therefore, it has been classified as a Variant of Uncertain Significance.

NM_000116.5(TAFAZZIN):c.287C>T (p.Thr96Ile)

Gene: TAFAZZIN (tafazzin, phospholipid-lysophospholipid transacylase; plus strand). Cytogenetic location: Xq28.
Variant type: single nucleotide variant.
Coding change: c.287C>T on transcript NM_000116.5 (MANE Select); coding-DNA position 287, C replaced by T.
Protein change: p.Thr96Ile; replaces threonine 96 with isoleucine.
Molecular consequence: missense variant. On other transcripts: non-coding transcript variant (1).
Genome position (GRCh38, 1-based): chrX:154,413,484, C>T. VCF-style: chrX-154413484-C-T. GRCh37 (hg19) VCF-style: chrX-153641821-C-T.
Other names: c.341C>T, p.Thr114Ile (NM_001303465.2, NM_001410698.1, NM_001440856.1 and 1 more transcripts); c.287C>T, p.Thr96Ile (NM_001440858.1, NM_181311.4, NM_181312.4 and 1 more transcripts); short protein forms T114I, T96I.
Identifiers: ClinVar variation 4712975 (VCV004712975.1).